The following is an entry in ClinVar:

ClinVar aggregate classification (germline): Uncertain significance (1 of 4 stars; one submission).

Allele frequency attached by ClinVar (database versions not stated): gnomAD exomes below 0.00001; gnomAD 0.00003; ExAC 0.00005; TOPMed 0.00006.
gnomAD v4.1: 11 of 1,550,480 alleles (0.00071%); highest among the groups gnomAD compares: East Asian, 0.027%; no homozygotes.

Submission:

Women's Health and Genetics/Laboratory Corporation of America, LabCorp
Classification: Uncertain significance. Last evaluated: 2023-03-01. Review status: criteria provided, single submitter. Criteria: LabCorp Variant Classification Summary - May 2015. Collection method: clinical testing. Allele origin: germline.
Comment: Variant summary: EYS c.4963T>A (p.Leu1655Met) results in a conservative amino acid change in the encoded protein sequence. Three of four in-silico tools predict a benign effect of the variant on protein function. The variant allele was found at a frequency of 4e-05 in 151820 control chromosomes. The available data on variant occurrences in the general population are insufficient to allow any conclusion about variant significance. c.4963T>A has been reported in the literature in individuals affected with Inherited Retinal Dystrophy without strong evidence for causality (Arai_2015). This report does not provide unequivocal conclusions about association of the variant with Retinitis Pigmentosa. To our knowledge, no experimental evidence demonstrating an impact on protein function has been reported. No clinical diagnostic laboratories have submitted clinical-significance assessments for this variant to ClinVar after 2014. Based on the evidence outlined above, the variant was classified as uncertain significance.

Literature cited by the submitters: PubMed 26161267.

NM_001142800.2(EYS):c.4963T>A (p.Leu1655Met)

Gene: EYS (eyes shut homolog; minus strand). Cytogenetic location: 6q12.
Variant type: single nucleotide variant.
Coding change: c.4963T>A on transcript NM_001142800.2 (MANE Select); coding-DNA position 4963, T replaced by A.
Protein change: p.Leu1655Met; replaces leucine 1655 with methionine.
Molecular consequence: missense variant.
Genome position (GRCh38, 1-based): chr6:64,590,904, A>T on the plus strand (T>A on the coding strand, the complement: EYS is on the minus strand). VCF-style: chr6-64590904-A-T. GRCh37 (hg19) VCF-style: chr6-65300797-A-T.
Other names: c.4963T>A, p.Leu1655Met (NM_001292009.2); short protein forms L1655M.
Identifiers: ClinVar variation 2501108 (VCV002501108.1), dbSNP rs779877867, ClinGen allele CA3877043.